The following is an entry in ClinVar:

ClinVar aggregate classification (germline): Pathogenic (1 of 4 stars; one submission).

Submission:

Labcorp Genetics (formerly Invitae), Labcorp
Classification: Pathogenic. Last evaluated: 2025-11-18. Review status: criteria provided, single submitter. Criteria: Invitae Variant Classification Sherloc (09022015). Collection method: clinical testing. Allele origin: germline.
Comment: This sequence change creates a premature translational stop signal (p.Lys732*) in the ADAMTS18 gene. It is expected to result in an absent or disrupted protein product. Loss-of-function variants in ADAMTS18 are known to be pathogenic (PMID: 23818446, 24874986). This variant is not present in population databases (gnomAD no frequency). This variant has not been reported in the literature in individuals affected with ADAMTS18-related conditions. Algorithms developed to predict the effect of sequence changes on RNA splicing suggest that this variant may disrupt the consensus splice site. For these reasons, this variant has been classified as Pathogenic.

Literature cited by the submitters: PubMed 23818446; PubMed 24874986.

NM_199355.4(ADAMTS18):c.2194A>T (p.Lys732Ter)

Gene: ADAMTS18 (ADAM metallopeptidase with thrombospondin type 1 motif 18; minus strand). Cytogenetic location: 16q23.1.
Variant type: single nucleotide variant.
Coding change: c.2194A>T on transcript NM_199355.4 (MANE Select); coding-DNA position 2194, A replaced by T.
Protein change: p.Lys732Ter; replaces lysine 732 with a stop codon.
Molecular consequence: nonsense.
Genome position (GRCh38, 1-based): chr16:77,321,172, T>A on the plus strand (A>T on the coding strand, the complement: ADAMTS18 is on the minus strand). VCF-style: chr16-77321172-T-A. GRCh37 (hg19) VCF-style: chr16-77355069-T-A.
Other names: c.1678A>T, p.Lys560Ter (NM_001326358.2); short protein forms K560*, K732*.
Identifiers: ClinVar variation 4731500 (VCV004731500.1).